The following is an entry in ClinVar:

ClinVar aggregate classification (germline): Uncertain significance (1 of 4 stars; one submission).

Conditions:
Hereditary cancer-predisposing syndrome. Also called: Neoplastic Syndromes, Hereditary; Tumor predisposition; Hereditary Cancer Syndrome; Hereditary neoplastic syndrome. Identifiers: Orphanet 140162, MedGen C0027672, MeSH D009386, MONDO:0015356.

Allele frequency attached by ClinVar (database versions not stated): gnomAD exomes below 0.00001.
gnomAD v4.1: 4 of 1,613,076 alleles (0.00025%); highest among the groups gnomAD compares: Non-Finnish European, 0.00034%; no homozygotes.

Submission:

Ambry Genetics
Classification: Uncertain significance for Hereditary cancer-predisposing syndrome. Last evaluated: 2020-09-30. Review status: criteria provided, single submitter. Criteria: Ambry Variant Classification Scheme 2023. Collection method: clinical testing. Allele origin: germline.
Comment: The p.G627S variant (also known as c.1879G>A), located in coding exon 6 of the MET gene, results from a G to A substitution at nucleotide position 1879. The glycine at codon 627 is replaced by serine, an amino acid with similar properties. This amino acid position is well conserved in available vertebrate species. In addition, this alteration is predicted to be tolerated by in silico analysis. Since supporting evidence is limited at this time, the clinical significance of this alteration remains unclear.

NM_000245.4(MET):c.1879G>A (p.Gly627Ser)

Gene: MET (MET proto-oncogene, receptor tyrosine kinase; plus strand). Cytogenetic location: 7q31.2.
Variant type: single nucleotide variant.
Coding change: c.1879G>A on transcript NM_000245.4 (MANE Select); coding-DNA position 1879, G replaced by A.
Protein change: p.Gly627Ser; replaces glycine 627 with serine.
Molecular consequence: missense variant.
Genome position (GRCh38, 1-based): chr7:116,757,453, G>A. VCF-style: chr7-116757453-G-A. GRCh37 (hg19) VCF-style: chr7-116397507-G-A.
Other names: c.1879G>A, p.Gly627Ser (NM_001127500.3, NM_001324401.3); c.589G>A, p.Gly197Ser (NM_001324402.2); short protein forms G627S, G197S.
Identifiers: ClinVar variation 1781845 (VCV001781845.2), dbSNP rs2116919915, ClinGen allele CA368979246.
Genomic context (GRCh38, chr7:116,757,453, plus strand): 5'-TTCCTTGGATTTGTCATGTATTAAACTTTGGGTTTTTTTTCCAGATTGAAATGCACAGTT[G>A]GTCCTGCCATGAATAAGCATTTCAATATGTCCATAATTATTTCAAATGGCCACGGGACAA-3'
Protein context (NP_000236.2, residues 617-637): STMNTLKCTV[Gly627Ser]PAMNKHFNMS